The following is an entry in ClinVar:

ClinVar aggregate classification (germline): Conflicting classifications of pathogenicity. Review status: criteria provided, conflicting classifications (1 of 4 stars). 2 submissions from 2 submitters: Uncertain significance (1); Likely benign (1). Last evaluated 2026-01-31.

Conditions:
Cardiovascular phenotype. Identifiers: MedGen CN230736.
Brugada syndrome. Also called: Sudden Unexplained Death Syndrome; Sudden Unexplained Nocturnal Death Syndrome (SUNDS); Sudden unexpected nocturnal death syndrome; Sudden unexplained nocturnal death syndrome. Identifiers: Orphanet 130, MedGen C1142166, MONDO:0015263.

Allele frequency attached by ClinVar (database versions not stated): ExAC 0.00004; TOPMed 0.00005; gnomAD 0.00010; gnomAD exomes 0.00004.
gnomAD v4.1: 58 of 1,613,980 alleles (0.0036%); highest among the groups gnomAD compares: Admixed American, 0.013%; no homozygotes.

Submissions (2):

Labcorp Genetics (formerly Invitae), Labcorp
Classification: Uncertain significance for Brugada syndrome. Last evaluated: 2026-01-31. Review status: criteria provided, single submitter. Criteria: Invitae Variant Classification Sherloc (09022015). Collection method: clinical testing. Allele origin: germline.
Comment: This sequence change replaces arginine, which is basic and polar, with glutamine, which is neutral and polar, at codon 1250 of the SCN10A protein (p.Arg1250Gln). This variant is present in population databases (rs774893568, gnomAD 0.01%). This missense change has been observed in individual(s) with Brugada syndrome (PMID: 26220970, 31106349). ClinVar contains an entry for this variant (Variation ID: 221068). Invitae Evidence Modeling of protein sequence and biophysical properties (such as structural, functional, and spatial information, amino acid conservation, physicochemical variation, residue mobility, and thermodynamic stability) indicates that this missense variant is expected to disrupt SCN10A protein function with a positive predictive value of 80%. In summary, the available evidence is currently insufficient to determine the role of this variant in disease. Therefore, it has been classified as a Variant of Uncertain Significance.

Ambry Genetics
Classification: Likely benign for Cardiovascular phenotype. Last evaluated: 2023-08-15. Review status: criteria provided, single submitter. Criteria: Ambry Variant Classification Scheme 2023. Collection method: clinical testing. Allele origin: germline.

Literature cited by the submitters: PubMed 26220970 (cited by Labcorp Genetics (formerly Invitae), Labcorp); PubMed 31106349 (cited by Labcorp Genetics (formerly Invitae), Labcorp).

NM_006514.4(SCN10A):c.3749G>A (p.Arg1250Gln)

Gene: SCN10A (sodium voltage-gated channel alpha subunit 10; minus strand). Cytogenetic location: 3p22.2.
Variant type: single nucleotide variant.
Coding change: c.3749G>A on transcript NM_006514.4 (MANE Select); coding-DNA position 3749, G replaced by A.
Protein change: p.Arg1250Gln; replaces arginine 1250 with glutamine.
Molecular consequence: missense variant.
Genome position (GRCh38, 1-based): chr3:38,714,013, C>T on the plus strand (G>A on the coding strand, the complement: SCN10A is on the minus strand). VCF-style: chr3-38714013-C-T. GRCh37 (hg19) VCF-style: chr3-38755504-C-T.
Other names: c.3746G>A, p.Arg1249Gln (NM_001293306.2); c.3455G>A, p.Arg1152Gln (NM_001293307.2); short protein forms R1250Q, R1152Q, R1249Q.
Identifiers: ClinVar variation 221068 (VCV000221068.10), dbSNP rs774893568, ClinGen allele CA349089.